The following is an entry in ClinVar:

ClinVar aggregate classification (germline): Uncertain significance (1 of 4 stars; one submission).

Conditions:
Deficiency of hyaluronoglucosaminidase (MPS9). Also called: HYALURONIDASE DEFICIENCY; MPS IX; Mucopolysaccharidosis type 9. Identifiers: Orphanet 67041, MedGen C1291490, MONDO:0011093, OMIM 601492.

Allele frequency attached by ClinVar (database versions not stated): gnomAD 0.00001; TOPMed 0.00003; gnomAD exomes 0.00004; ExAC 0.00005; ESP Exome Variant Server 0.00008.
gnomAD v4.1: 63 of 1,613,698 alleles (0.0039%); highest among the groups gnomAD compares: Admixed American, 0.012%; no homozygotes.

Submission:

Labcorp Genetics (formerly Invitae), Labcorp
Classification: Uncertain significance for Deficiency of hyaluronoglucosaminidase. Last evaluated: 2022-03-26. Review status: criteria provided, single submitter. Criteria: Invitae Variant Classification Sherloc (09022015). Collection method: clinical testing. Allele origin: germline.
Comment: This sequence change replaces arginine, which is basic and polar, with cysteine, which is neutral and slightly polar, at codon 196 of the HYAL1 protein (p.Arg196Cys). This variant is present in population databases (rs141770421, gnomAD 0.02%). This variant has not been reported in the literature in individuals affected with HYAL1-related conditions. Algorithms developed to predict the effect of missense changes on protein structure and function are either unavailable or do not agree on the potential impact of this missense change (SIFT: "Deleterious"; PolyPhen-2: "Benign"; Align-GVGD: "Class C15"). In summary, the available evidence is currently insufficient to determine the role of this variant in disease. Therefore, it has been classified as a Variant of Uncertain Significance.

NM_033159.4(HYAL1):c.586C>T (p.Arg196Cys)

Gene: HYAL1 (hyaluronidase 1; minus strand). Cytogenetic location: 3p21.31.
Variant type: single nucleotide variant.
Coding change: c.586C>T on transcript NM_033159.4 (MANE Select); coding-DNA position 586, C replaced by T.
Protein change: p.Arg196Cys; replaces arginine 196 with cysteine.
Molecular consequence: missense variant. On other transcripts: non-coding transcript variant (1), intron variant (1).
Genome position (GRCh38, 1-based): chr3:50,302,371, G>A on the plus strand (C>T on the coding strand, the complement: HYAL1 is on the minus strand). VCF-style: chr3-50302371-G-A. GRCh37 (hg19) VCF-style: chr3-50339802-G-A.
Other names: c.586C>T, p.Arg196Cys (NM_007312.3, NM_153281.2, NM_153282.3); c.40C>T, p.Arg14Cys (NM_153283.3); c.-26-166C>T (NM_153285.3); short protein forms R196C, R14C.
Identifiers: ClinVar variation 2043491 (VCV002043491.1), dbSNP rs141770421, ClinGen allele CA2415912.